The following is an entry in ClinVar:

ClinVar aggregate classification (germline): Uncertain significance. Review status: criteria provided, single submitter (1 of 4 stars). 4 submissions from 3 submitters: Uncertain significance (1). 3 of the submissions do not count toward it. Last evaluated 2022-04-24.

Conditions:
Cone-rod dystrophy 6 (CORD6). Also called: RETINAL CONE DYSTROPHY 2; Cone dystrophy progressive. Identifiers: Orphanet 1872, MedGen C1866293, MONDO:0011143, OMIM 601777.
Leber congenital amaurosis 1 (LCA1). Also called: RETINAL BLINDNESS, CONGENITAL; AMAUROSIS CONGENITA OF LEBER I; Congenital absence of the rods and cones; Leber's congenital tapetoretinal degeneration; Leber's congenital tapetoretinal dysplasia. Identifiers: Orphanet 65, MedGen C2931258, MONDO:0008764, OMIM 204000.

Allele frequency attached by ClinVar (database versions not stated): gnomAD 0.00001.
gnomAD v4.1: 2 of 1,611,626 alleles (0.00012%); highest among the groups gnomAD compares: Admixed American, 0.0017%; no homozygotes.

Submissions (4):

Labcorp Genetics (formerly Invitae), Labcorp
Classification: Uncertain significance for Leber congenital amaurosis 1; Cone-rod dystrophy 6. Last evaluated: 2022-04-24. Review status: criteria provided, single submitter. Criteria: Invitae Variant Classification Sherloc (09022015). Collection method: clinical testing. Allele origin: germline.
Comment: In summary, the available evidence is currently insufficient to determine the role of this variant in disease. Therefore, it has been classified as a Variant of Uncertain Significance. Algorithms developed to predict the effect of missense changes on protein structure and function are either unavailable or do not agree on the potential impact of this missense change (SIFT: "Deleterious"; PolyPhen-2: "Benign"; Align-GVGD: "Class C65"). ClinVar contains an entry for this variant (Variation ID: 560462). This variant has not been reported in the literature in individuals affected with GUCY2D-related conditions. This variant is not present in population databases (gnomAD no frequency). This sequence change replaces proline, which is neutral and non-polar, with serine, which is neutral and polar, at codon 447 of the GUCY2D protein (p.Pro447Ser).

Joint Genome Diagnostic Labs from Nijmegen and Maastricht, Radboudumc and MUMC+
Classification: Uncertain significance for Cone-rod dystrophy 6. Last evaluated: 2016-09-01. Review status: no assertion criteria provided. Collection method: clinical testing. Allele origin: inherited. Affected: yes. Observed: 1 variant allele. Not counted in ClinVar's aggregate classification.

Clinical Genetics DNA and cytogenetics Diagnostics Lab, Erasmus MC, Erasmus Medical Center
Classification: Uncertain significance. Review status: no assertion criteria provided. Collection method: clinical testing. Allele origin: germline. Affected: yes. Study: VKGL Data-share Consensus. Not counted in ClinVar's aggregate classification.

Joint Genome Diagnostic Labs from Nijmegen and Maastricht, Radboudumc and MUMC+
Classification: Uncertain significance. Review status: no assertion criteria provided. Collection method: clinical testing. Allele origin: germline. Affected: yes. Study: VKGL Data-share Consensus. Not counted in ClinVar's aggregate classification.

NM_000180.4(GUCY2D):c.1339C>T (p.Pro447Ser)

Gene: GUCY2D (guanylate cyclase 2D, retinal; plus strand). Cytogenetic location: 17p13.1.
Variant type: single nucleotide variant.
Coding change: c.1339C>T on transcript NM_000180.4 (MANE Select); coding-DNA position 1339, C replaced by T.
Protein change: p.Pro447Ser; replaces proline 447 with serine.
Molecular consequence: missense variant.
Genome position (GRCh38, 1-based): chr17:8,006,675, C>T. VCF-style: chr17-8006675-C-T. GRCh37 (hg19) VCF-style: chr17-7909993-C-T.
Other names: short protein forms P447S.
Identifiers: ClinVar variation 560462 (VCV000560462.8), dbSNP rs1029006549, ClinGen allele CA287524991.
Genomic context (GRCh38, chr17:8,006,675, plus strand): 5'-TTCCTCTCCGCCGGTACCCGGATGCACTTCCCGCGTGGGGGATCAGCACCCGGACCTGAC[C>T]CCTCGTGCTGGTTCGATCCAAACAACATCTGCGGTGGAGGTGAGGGCGAGCACCCCAGTC-3'
Protein context (NP_000171.1, residues 437-457): PRGGSAPGPD[Pro447Ser]SCWFDPNNIC